The following is an entry in ClinVar:

NM_001271.4(CHD2):c.4807C>T (p.Pro1603Ser)

Gene: CHD2 (chromodomain helicase DNA binding protein 2; plus strand). Cytogenetic location: 15q26.1.
Variant type: single nucleotide variant.
Coding change: c.4807C>T on transcript NM_001271.4 (MANE Select); coding-DNA position 4807, C replaced by T.
Protein change: p.Pro1603Ser; replaces proline 1603 with serine.
Molecular consequence: missense variant.
Genome position (GRCh38, 1-based): chr15:93,014,810, C>T. VCF-style: chr15-93014810-C-T. GRCh37 (hg19) VCF-style: chr15-93558040-C-T.
Other names: short protein forms P1603S.
Identifiers: ClinVar variation 391181 (VCV000391181.23), dbSNP rs144395162, ClinGen allele CA7748564.
Genomic context (GRCh38, chr15:93,014,810, plus strand): 5'-GCCTCAGGCTCCAGCCGGGACTCTCTGATATCTCAGTCCCATACCTCACACAACCTTCAC[C>T]CTCAGAAGCCTCATTTGCCTGCCTCCCATGGCCCACAGATGCATGGACACCCAAGAGATA-3'
Protein context (NP_001262.3, residues 1593-1613): SQSHTSHNLH[Pro1603Ser]QKPHLPASHG

ClinVar aggregate classification (germline): Benign/Likely benign. Review status: criteria provided, multiple submitters, no conflicts (2 of 4 stars). 4 submissions from 4 submitters: Benign (2); Likely benign (2). Last evaluated 2026-01-26.

Conditions:
Inborn genetic diseases. Identifiers: MedGen C0950123, MeSH D030342.
Developmental and epileptic encephalopathy 94 (DEE94). Also called: Epileptic encephalopathy, childhood-onset; CHD2-Related Neurodevelopmental Disorders. Identifiers: Orphanet 1942, Orphanet 2382, MedGen C3809278, MONDO:0014150, OMIM 615369.

Allele frequency attached by ClinVar (database versions not stated): ExAC 0.00009; gnomAD exomes 0.00009; 1000 Genomes Project 30x 0.00016; 1000 Genomes Project 0.00020; gnomAD 0.00037 and 0.00039; TOPMed 0.00042; ESP Exome Variant Server 0.00046.
gnomAD v4.1: 114 of 1,614,186 alleles (0.0071%); highest among the groups gnomAD compares: African/African-American, 0.13%; no homozygotes.

Submissions (4):

Labcorp Genetics (formerly Invitae), Labcorp
Classification: Benign for Developmental and epileptic encephalopathy 94. Last evaluated: 2026-01-26. Review status: criteria provided, single submitter. Criteria: Invitae Variant Classification Sherloc (09022015). Collection method: clinical testing. Allele origin: germline.

CeGaT Center for Human Genetics Tuebingen
Classification: Likely benign. Last evaluated: 2025-12-01. Review status: criteria provided, single submitter. Criteria: CeGaT Center For Human Genetics Tuebingen Variant Classification Criteria Version 2. Collection method: clinical testing. Allele origin: germline. Affected: yes. Observed: 1 variant allele.
Comment: CHD2: BP4

GeneDx
Classification: Benign. Last evaluated: 2020-10-23. Review status: criteria provided, single submitter. Criteria: GeneDx Variant Classification Process June 2021. Collection method: clinical testing. Allele origin: germline. Affected: yes.

Ambry Genetics
Classification: Likely benign for Inborn genetic diseases. Last evaluated: 2017-04-13. Review status: criteria provided, single submitter. Criteria: Ambry Variant Classification Scheme 2023. Collection method: clinical testing. Allele origin: germline.